The following is an entry in ClinVar:

ClinVar aggregate classification (germline): Pathogenic. Review status: criteria provided, single submitter (1 of 4 stars). 2 submissions from 2 submitters: Pathogenic (1). 1 of the submissions does not count toward it. Last evaluated 2014-10-03.

Submissions (2):

GeneDx
Classification: Pathogenic. Last evaluated: 2014-10-03. Review status: criteria provided, single submitter. Criteria: GeneDx Variant Classification (06012015). Collection method: clinical testing. Allele origin: germline. Affected: yes.
Comment: c.32delT: p.Leu11Ter (L11X) in exon 2 of the TSC2 gene (NM_000548.3). The normal sequence with the base that is deleted in braces is: GGCT{T}GAAG. The c.32delT mutation in the TSC2 gene changes the Leucine residue at position 11 to a premature Stop codon, denoted p.Leu11Ter (L11X). This mutation is predicted to cause loss of normal protein function either through protein truncation or nonsense-mediated mRNA decay. This mutation has not been reported previously to our knowledge. The variant is found in TUBSC-EPIV2 panel(s).

Genetic Services Laboratory, University of Chicago
Classification: Likely pathogenic. Last evaluated: 2022-09-22. Review status: no assertion criteria provided. Collection method: clinical testing. Allele origin: germline. Affected: yes. Not counted in ClinVar's aggregate classification.
Comment: DNA sequence analysis of the TSC2 gene demonstrated a single base pair deletion in exon 2, c.32del, which results in the creation of a premature stop codon at amino acid position 11, p.Leu11. This sequence change is predicted to result in an abnormal transcript, which may be degraded, or may lead to the production of a truncated TSC2 protein with potentially abnormal function. The c.32del sequence change has not been described in the population databases such as ExAC and gnomAD. While this sequence change has not previously been described in the literature, other deletions in the TSC2 gene have been described in several individuals with tuberous sclerosis complex. Based on these collective evidences, this sequence change is classified as likely pathogenic, however functional studies have not been performed to prove this conclusively. Clinical correlation is recommended.

NM_000548.5(TSC2):c.32del (p.Gly10_Leu11insTer)

Gene: TSC2 (TSC complex subunit 2; plus strand). Cytogenetic location: 16p13.3.
Variant type: Deletion.
Coding change: c.32del on transcript NM_000548.5 (MANE Select); coding-DNA position 32, one base deleted (T; older notation c.32delT).
Protein change: p.Gly10_Leu11insTer.
Molecular consequence: nonsense. On other transcripts: 5 prime UTR variant (1), intron variant (1).
Genome position (GRCh38, 1-based): chr16:2,048,647, T deleted; the last of 2 consecutive T bases (chr16:2,048,646-2,048,647); deleting either gives the same sequence. VCF-style (leftmost placement, unchanged base first): chr16-2048645-CT-C. GRCh37 (hg19) VCF-style: chr16-2098646-CT-C.
Other names: c.32del, p.Gly10_Leu11insTer (NM_001077183.3, NM_001114382.3, NM_001318827.2 and 4 more transcripts); c.-195del (NM_001318831.2); c.65del, p.Gly21_Leu22insTer (NM_001318832.2); c.-10+582del (NM_001318829.2); c.32del (NM_000548.4).
Identifiers: ClinVar variation 207789 (VCV000207789.3), dbSNP rs796053515, ClinGen allele CA319605.